The following is an entry in ClinVar:

ClinVar aggregate classification (germline): Likely benign. Review status: criteria provided, single submitter (1 of 4 stars). 2 submissions from 2 submitters: Likely benign (1). 1 of the submissions does not count toward it. Last evaluated 2024-06-28.

Conditions:
RAI1-related disorder. Also called: RAI1-related condition.

gnomAD v4.1: 24 of 1,612,312 alleles (0.0015%); highest among the groups gnomAD compares: African/African-American, 0.0067%; no homozygotes.

Submissions (2):

Labcorp Genetics (formerly Invitae), Labcorp
Classification: Likely benign. Last evaluated: 2024-06-28. Review status: criteria provided, single submitter. Criteria: Invitae Variant Classification Sherloc (09022015). Collection method: clinical testing. Allele origin: germline.

PreventionGenetics, part of Exact Sciences
Classification: Likely benign for RAI1-related condition. Last evaluated: 2021-09-27. Review status: no assertion criteria provided. Collection method: clinical testing. Allele origin: germline. Not counted in ClinVar's aggregate classification.
Comment: This variant is classified as likely benign based on ACMG/AMP sequence variant interpretation guidelines (Richards et al. 2015 PMID: 25741868, with internal and published modifications).

NM_030665.4(RAI1):c.5265C>G (p.Pro1755=)

Gene: RAI1 (retinoic acid induced 1; plus strand). Cytogenetic location: 17p11.2.
Variant type: single nucleotide variant.
Coding change: c.5265C>G on transcript NM_030665.4 (MANE Select); coding-DNA position 5265, C replaced by G.
Protein change: p.Pro1755=; no amino-acid change (proline 1755 retained).
Molecular consequence: synonymous variant.
Genome position (GRCh38, 1-based): chr17:17,798,213, C>G. VCF-style: chr17-17798213-C-G. GRCh37 (hg19) VCF-style: chr17-17701527-C-G.
Other names: c.5265C>G (NM_030665.3).
Identifiers: ClinVar variation 2891612 (VCV002891612.4), dbSNP rs554959103, ClinGen allele CA288371932.